The following is an entry in ClinVar:

ClinVar aggregate classification (germline): Uncertain significance. Review status: criteria provided, multiple submitters, no conflicts (2 of 4 stars). 2 submissions from 2 submitters: Uncertain significance (2). Last evaluated 2022-10-24.

Allele frequency attached by ClinVar (database versions not stated): gnomAD 0.00001; gnomAD exomes 0.00001 and 0.00005; TOPMed 0.00002; ExAC 0.00003; 1000 Genomes Project 30x 0.00016; 1000 Genomes Project 0.00020.
gnomAD v4.1: 20 of 1,614,148 alleles (0.0012%); highest among the groups gnomAD compares: Admixed American, 0.017%; no homozygotes.

Submissions (2):

Labcorp Genetics (formerly Invitae), Labcorp
Classification: Uncertain significance. Last evaluated: 2022-10-24. Review status: criteria provided, single submitter. Criteria: Invitae Variant Classification Sherloc (09022015). Collection method: clinical testing. Allele origin: germline.
Comment: This sequence change replaces asparagine, which is neutral and polar, with serine, which is neutral and polar, at codon 1035 of the DISP1 protein (p.Asn1035Ser). In summary, the available evidence is currently insufficient to determine the role of this variant in disease. Therefore, it has been classified as a Variant of Uncertain Significance. Algorithms developed to predict the effect of missense changes on protein structure and function are either unavailable or do not agree on the potential impact of this missense change (SIFT: "Tolerated"; PolyPhen-2: "Probably Damaging"; Align-GVGD: "Class C0"). ClinVar contains an entry for this variant (Variation ID: 421971). This variant has not been reported in the literature in individuals affected with DISP1-related conditions. This variant is present in population databases (rs192049195, gnomAD 0.03%).

GeneDx
Classification: Uncertain significance. Last evaluated: 2019-01-09. Review status: criteria provided, single submitter. Criteria: GeneDx Variant Classification (06012015). Collection method: clinical testing. Allele origin: germline. Affected: yes.
Comment: The N1035S variant in the DISP1 gene has not been reported previously as a pathogenic variant, nor as a benign variant, to our knowledge. This variant was not observed in approximately 6500 individuals of European and African American ancestry in the NHLBI Exome Sequencing Project, indicating it is not a common benign variant in these populations. The N1035S variant is a conservative amino acid substitution, which is not likely to impact secondary protein structure as these residues share similar properties. This substitution occurs at a position that is conserved across species, and in silico analysis predicts this variant is probably damaging to the protein structure/function. We interpret N1035S as a variant of uncertain significance.

NM_001377229.1(DISP1):c.3104A>G (p.Asn1035Ser)

Gene: DISP1 (dispatched RND transporter family member 1; plus strand). Cytogenetic location: 1q41.
Variant type: single nucleotide variant.
Coding change: c.3104A>G on transcript NM_001377229.1 (MANE Select); coding-DNA position 3104, A replaced by G.
Protein change: p.Asn1035Ser; replaces asparagine 1035 with serine.
Molecular consequence: missense variant.
Genome position (GRCh38, 1-based): chr1:223,004,501, A>G. VCF-style: chr1-223004501-A-G. GRCh37 (hg19) VCF-style: chr1-223177843-A-G.
Other names: c.2375A>G, p.Asn792Ser (NM_001350630.2); c.3104A>G, p.Asn1035Ser (NM_001369594.1, NM_001377228.1, NM_032890.5); short protein forms N1035S, N792S.
Identifiers: ClinVar variation 421971 (VCV000421971.7), dbSNP rs192049195, ClinGen allele CA1409348.